The following is an entry in ClinVar:

NM_015295.3(SMCHD1):c.4018A>G (p.Thr1340Ala)

Gene: SMCHD1 (structural maintenance of chromosomes flexible hinge domain containing 1; plus strand). Cytogenetic location: 18p11.32.
Variant type: single nucleotide variant.
Coding change: c.4018A>G on transcript NM_015295.3 (MANE Select); coding-DNA position 4018, A replaced by G.
Protein change: p.Thr1340Ala; replaces threonine 1340 with alanine.
Molecular consequence: missense variant.
Genome position (GRCh38, 1-based): chr18:2,750,360, A>G. VCF-style: chr18-2750360-A-G. GRCh37 (hg19) VCF-style: chr18-2750358-A-G.
Other names: short protein forms T1340A.
Identifiers: ClinVar variation 2917771 (VCV002917771.3), dbSNP rs2075548094, ClinGen allele CA401691764.

ClinVar aggregate classification (germline): Uncertain significance (1 of 4 stars; one submission).

Conditions:
Facioscapulohumeral muscular dystrophy 2 (FSHD2). Also called: MUSCULAR DYSTROPHY, FACIOSCAPULOHUMERAL, TYPE 1B; FACIOSCAPULOHUMERAL MUSCULAR DYSTROPHY 2, DIGENIC; FSHD2, DIGENIC. Identifiers: Orphanet 269, MedGen C1834671, MONDO:0008031, OMIM 158901.

Allele frequency attached by ClinVar (database versions not stated): TOPMed below 0.00001; gnomAD 0.00001.

Submission:

Labcorp Genetics (formerly Invitae), Labcorp
Classification: Uncertain significance for Facioscapulohumeral muscular dystrophy 2. Last evaluated: 2023-12-10. Review status: criteria provided, single submitter. Criteria: Invitae Variant Classification Sherloc (09022015). Collection method: clinical testing. Allele origin: germline.
Comment: This sequence change replaces threonine, which is neutral and polar, with alanine, which is neutral and non-polar, at codon 1340 of the SMCHD1 protein (p.Thr1340Ala). This variant is not present in population databases (gnomAD no frequency). This variant has not been reported in the literature in individuals affected with SMCHD1-related conditions. Advanced modeling of protein sequence and biophysical properties (such as structural, functional, and spatial information, amino acid conservation, physicochemical variation, residue mobility, and thermodynamic stability) performed at Invitae indicates that this missense variant is not expected to disrupt SMCHD1 protein function with a negative predictive value of 80%. In summary, the available evidence is currently insufficient to determine the role of this variant in disease. Therefore, it has been classified as a Variant of Uncertain Significance.